The following is an entry in ClinVar:

NM_000288.4(PEX7):c.568G>A (p.Val190Ile)

Gene: PEX7 (peroxisomal biogenesis factor 7; plus strand). Cytogenetic location: 6q23.3.
Variant type: single nucleotide variant.
Coding change: c.568G>A on transcript NM_000288.4 (MANE Select); coding-DNA position 568, G replaced by A.
Protein change: p.Val190Ile; replaces valine 190 with isoleucine.
Molecular consequence: missense variant.
Genome position (GRCh38, 1-based): chr6:136,866,668, G>A. VCF-style: chr6-136866668-G-A. GRCh37 (hg19) VCF-style: chr6-137187806-G-A.
Other names: c.454G>A, p.Val152Ile (NM_001410945.1); c.568G>A (NM_000288.3); short protein forms V152I, V190I.
Identifiers: ClinVar variation 2419607 (VCV002419607.4), dbSNP rs2548093702, ClinGen allele CA365762938.
Genomic context (GRCh38, chr6:136,866,668, plus strand): 5'-AAGTCTTCCTTTTTACTAGGTGATCAGACTCTGAGAATATGGGATGTGAAGGCAGCAGGA[G>A]TAAGAATCGTGATTCCTGCACATCAGGCAGAAATCTTGAGTTGTGACTGGTGTAAATACA-3'
Protein context (NP_000279.1, residues 180-200): LRIWDVKAAG[Val190Ile]RIVIPAHQAE

ClinVar aggregate classification (germline): Uncertain significance. Review status: criteria provided, multiple submitters, no conflicts (2 of 4 stars). 2 submissions from 2 submitters: Uncertain significance (2). Last evaluated 2026-04-18.

Conditions:
Peroxisome biogenesis disorder 9B. Also called: PEX7-Related Refsum Disease; PEROXISOME BIOGENESIS DISORDER, PEX7-RELATED, ATYPICAL; Refsum disease, adult, 2. Identifiers: Orphanet 773, MedGen C2749346, MONDO:0013945, OMIM 614879.
Inborn genetic diseases. Identifiers: MedGen C0950123, MeSH D030342.

Allele frequency attached by ClinVar (database versions not stated): gnomAD exomes below 0.00001.
gnomAD v4.1: 1 of 1,614,072 alleles (0.000062%); highest among the groups gnomAD compares: Non-Finnish European, 0.000085%; no homozygotes.

Submissions (2):

Ambry Genetics
Classification: Uncertain significance for Inborn genetic diseases. Last evaluated: 2026-04-18. Review status: criteria provided, single submitter. Criteria: Ambry Variant Classification Scheme 2023. Collection method: clinical testing. Allele origin: germline.
Comment: The p.V190I variant (also known as c.568G>A), located in coding exon 6 of the PEX7 gene, results from a G to A substitution at nucleotide position 568. The valine at codon 190 is replaced by isoleucine, an amino acid with highly similar properties. This amino acid position is conserved. In addition, this alteration is predicted to be tolerated by in silico analysis. Based on the available evidence, the clinical significance of this variant remains unclear.

Labcorp Genetics (formerly Invitae), Labcorp
Classification: Uncertain significance for Peroxisome biogenesis disorder 9B. Last evaluated: 2022-03-22. Review status: criteria provided, single submitter. Criteria: Invitae Variant Classification Sherloc (09022015). Collection method: clinical testing. Allele origin: germline.
Comment: This sequence change replaces valine, which is neutral and non-polar, with isoleucine, which is neutral and non-polar, at codon 190 of the PEX7 protein (p.Val190Ile). This variant is not present in population databases (gnomAD no frequency). This variant has not been reported in the literature in individuals affected with PEX7-related conditions. Algorithms developed to predict the effect of missense changes on protein structure and function (SIFT, PolyPhen-2, Align-GVGD) all suggest that this variant is likely to be tolerated. In summary, the available evidence is currently insufficient to determine the role of this variant in disease. Therefore, it has been classified as a Variant of Uncertain Significance.